The following is an entry in ClinVar:

ClinVar aggregate classification (germline): Uncertain significance (1 of 4 stars; one submission).

Submission:

GeneDx
Classification: Uncertain significance. Last evaluated: 2026-02-18. Review status: criteria provided, single submitter. Criteria: GeneDx Variant Classification Process June 2021. Collection method: clinical testing. Allele origin: germline.
Comment: Not observed at significant frequency in large population cohorts (gnomAD); In silico analysis supports that this missense variant has a deleterious effect on protein structure/function; Has not been previously published as pathogenic or benign to our knowledge

NM_006662.3(SRCAP):c.10A>G (p.Ser4Gly)

Gene: SRCAP (Snf2 related CREBBP activator protein; plus strand). Cytogenetic location: 16p11.2.
Variant type: single nucleotide variant.
Coding change: c.10A>G on transcript NM_006662.3 (MANE Select); coding-DNA position 10, A replaced by G.
Protein change: p.Ser4Gly; replaces serine 4 with glycine.
Molecular consequence: missense variant.
Genome position (GRCh38, 1-based): chr16:30,700,834, A>G. VCF-style: chr16-30700834-A-G. GRCh37 (hg19) VCF-style: chr16-30712155-A-G.
Other names: short protein forms S4G.
Identifiers: ClinVar variation 5009337 (VCV005009337.1).